The following is an entry in ClinVar:

ClinVar aggregate classification (germline): Pathogenic (1 of 4 stars; one submission).

Submission:

GeneDx
Classification: Pathogenic. Last evaluated: 2019-09-03. Review status: criteria provided, single submitter. Criteria: GeneDx Variant Classification Process June 2021. Collection method: clinical testing. Allele origin: germline. Affected: yes.
Comment: Frameshift variant predicted to result in protein truncation or nonsense mediated decay in a gene for which loss-of-function is a known mechanism of disease; Not observed in large population cohorts (Lek et al., 2016); Has not been previously published as pathogenic or benign to our knowledge

NM_006852.6(TLK2):c.665del (p.Asn222fs)

Gene: TLK2 (tousled like kinase 2; plus strand). Cytogenetic location: 17q23.2.
Variant type: Deletion.
Coding change: c.665del on transcript NM_006852.6 (MANE Select); coding-DNA position 665, one base deleted (A; older notation c.665delA).
Protein change: p.Asn222fs; shifts the reading frame from asparagine 222.
Molecular consequence: frameshift variant.
Genome position (GRCh38, 1-based): chr17:62,553,700, A deleted; the last of 4 consecutive A bases (chr17:62,553,697-62,553,700); deleting any one gives the same sequence. VCF-style (leftmost placement, unchanged base first): chr17-62553696-GA-G. GRCh37 (hg19) VCF-style: chr17-60631057-GA-G.
Other names: c.665del, p.Asn222fs (NM_001284333.3, NM_001375270.1, NM_001375271.1); c.569del, p.Asn190fs (NM_001284363.1, NM_001375272.1); c.218del, p.Asn73fs (NM_001330418.3, NM_001375273.1); c.707del, p.Asn236fs (NM_001375269.1); short protein forms N190fs, N222fs, N236fs, N73fs.
Identifiers: ClinVar variation 1217689 (VCV001217689.3), dbSNP rs2146227158, ClinGen allele CA2499224826.